The following is an entry in ClinVar:

ClinVar aggregate classification (germline): Pathogenic (1 of 4 stars; one submission).

Conditions:
Marfan syndrome (MFS). Also called: MARFAN SYNDROME, TYPE I; Marfan syndrome type 1; Marfan's syndrome; Marfan syndrome, classic; FBN1-Related Marfan Syndrome. Identifiers: Orphanet 284963, Orphanet 558, MedGen C0024796, MONDO:0007947, OMIM 154700.
Familial thoracic aortic aneurysm and aortic dissection (TAAD). Also called: Thoracic aortic aneurysms and dissections. Identifiers: Orphanet 91387, MedGen C4707243, MONDO:0019625.

Submission:

Labcorp Genetics (formerly Invitae), Labcorp
Classification: Pathogenic for Marfan syndrome; Familial thoracic aortic aneurysm and aortic dissection. Last evaluated: 2025-01-11. Review status: criteria provided, single submitter. Criteria: Invitae Variant Classification Sherloc (09022015). Collection method: clinical testing. Allele origin: germline.
Comment: This sequence change creates a premature translational stop signal (p.Val2184Leufs*17) in the FBN1 gene. It is expected to result in an absent or disrupted protein product. Loss-of-function variants in FBN1 are known to be pathogenic (PMID: 17657824, 19293843). This variant is not present in population databases (gnomAD no frequency). This variant has not been reported in the literature in individuals affected with FBN1-related conditions. ClinVar contains an entry for this variant (Variation ID: 1452107). For these reasons, this variant has been classified as Pathogenic.

Literature cited by the submitters: PubMed 17657824; PubMed 19293843.

NM_000138.5(FBN1):c.6550_6553del (p.Val2184fs)

Gene: FBN1 (fibrillin 1; minus strand). Cytogenetic location: 15q21.1.
Variant type: Deletion.
Coding change: c.6550_6553del on transcript NM_000138.5 (MANE Select); coding-DNA positions 6550 to 6553, 4 bases deleted (GTGA; older notation c.6550_6553delGTGA).
Protein change: p.Val2184fs; shifts the reading frame from valine 2184.
Molecular consequence: frameshift variant.
Genome position (GRCh38, 1-based): chr15:48,434,657-48,434,660, TCAC deleted on the plus strand (GTGA on the coding strand, the reverse complement: FBN1 is on the minus strand). VCF-style (leftmost placement, unchanged base first): chr15-48434656-ATCAC-A. GRCh37 (hg19) VCF-style: chr15-48726853-ATCAC-A.
Other names: short protein forms V2184fs.
Identifiers: ClinVar variation 1452107 (VCV001452107.6), dbSNP rs2141237105, ClinGen allele CA2573150921.